The following is an entry in ClinVar:

ClinVar aggregate classification (germline): Uncertain significance (1 of 4 stars; one submission).

Conditions:
O'Donnell-Luria-Rodan syndrome (ODLURO). Also called: KMT2E-Related Neurodevelopmental Disorder. Identifiers: MedGen C5193138, MONDO:0032793, OMIM 618512.

Allele frequency attached by ClinVar (database versions not stated): gnomAD exomes below 0.00001; TOPMed below 0.00001.
gnomAD v4.1: 7 of 1,614,190 alleles (0.00043%); highest among the groups gnomAD compares: South Asian, 0.0022%; no homozygotes.

Submission:

Victorian Clinical Genetics Services, Murdoch Childrens Research Institute
Classification: Uncertain significance for O'Donnell-Luria-Rodan syndrome. Last evaluated: 2020-06-11. Review status: criteria provided, single submitter. Criteria: ACMG Guidelines, 2015. Collection method: clinical testing. Allele origin: germline. Inheritance: Autosomal dominant inheritance. Affected: yes.
Comment: Based on the classification scheme VCGS_Germline_v1.1.1, this variant is classified as 3C-VUS. Following criteria are met: 0102 - Loss-of-function is a known mechanism of disease for this gene. (N) 0107 - This gene is known to be associated with autosomal dominant disease. (N) 0200 - Variant is predicted to result in a missense amino acid change from histidine to proline (exon 27). (N) 0251 - Variant is heterozygous. (N) 0302 - Variant is present in gnomAD <0.001 for a dominant condition (1 heterozygote, 0 homozygotes). (P) 0309 - An alternative amino acid change at the same position has been observed in gnomAD (2 heterozygotes, 0 homozygotes). (N) 0504 - Same amino acid change has been observed in mammals. (B) 0600 - Variant is located in an annotated domain or motif. In the PTZ00449 domain (NCBI). (N) 0705 - No comparable variants have previous evidence for pathogenicity. (N) 0807 - Variant has not previously been reported in a clinical context. (N) 0905 - No segregation evidence has been identified for this variant. (N) 1007 - No published functional evidence has been identified for this variant. (N) 1208 - Inheritance information for this variant is not currently available. (N) Legend: (P) - Pathogenic, (N) - Neutral, (B) - Benign

NM_182931.3(KMT2E):c.4244A>C (p.His1415Pro)

Gene: KMT2E (lysine methyltransferase 2E (inactive); plus strand). Cytogenetic location: 7q22.3.
Variant type: single nucleotide variant.
Coding change: c.4244A>C on transcript NM_182931.3 (MANE Select); coding-DNA position 4244, A replaced by C.
Protein change: p.His1415Pro; replaces histidine 1415 with proline.
Molecular consequence: missense variant.
Genome position (GRCh38, 1-based): chr7:105,112,000, A>C. VCF-style: chr7-105112000-A-C. GRCh37 (hg19) VCF-style: chr7-104752447-A-C.
Other names: c.4118A>C, p.His1373Pro (NM_001410908.1); c.4244A>C, p.His1415Pro (NM_018682.4); short protein forms H1373P, H1415P.
Identifiers: ClinVar variation 1805231 (VCV001805231.1), dbSNP rs1263514276, ClinGen allele CA368792149.
Genomic context (GRCh38, chr7:105,112,000, plus strand): 5'-TAAAAACAGAGCTCCAACAAAAACAGCTATCAAATAACAACCAAGCACTTTCAAAGAATC[A>C]TCCTCCTCAGACACACGTTCGTAATTCATCTGAGCAACTTTCACAAAAGCTGCCTTCTGT-3'
Protein context (NP_891847.1, residues 1405-1425): SNNNQALSKN[His1415Pro]PPQTHVRNSS